The following is an entry in ClinVar:

NM_000260.4(MYO7A):c.2914C>T (p.Arg972Ter)

Gene: MYO7A (myosin VIIA; plus strand). Cytogenetic location: 11q13.5.
Variant type: single nucleotide variant.
Coding change: c.2914C>T on transcript NM_000260.4 (MANE Select); coding-DNA position 2914, C replaced by T.
Protein change: p.Arg972Ter; replaces arginine 972 with a stop codon.
Molecular consequence: nonsense.
Genome position (GRCh38, 1-based): chr11:77,181,960, C>T. VCF-style: chr11-77181960-C-T. GRCh37 (hg19) VCF-style: chr11-76893006-C-T.
Other names: c.2914C>T, p.Arg972Ter (NM_001127180.2); c.2881C>T, p.Arg961Ter (NM_001369365.1); short protein forms R972*, R961*.
Identifiers: ClinVar variation 855092 (VCV000855092.19), dbSNP rs782281371, ClinGen allele CA6197976.

ClinVar aggregate classification (germline): Pathogenic. Review status: criteria provided, multiple submitters, no conflicts (2 of 4 stars). 7 submissions from 7 submitters: Pathogenic (6). 1 of the submissions does not count toward it. Last evaluated 2026-01-26.

Conditions:
Usher syndrome type 1B (USH1B). Also called: Usher syndrome type IB. Identifiers: MedGen C1848638, MONDO:0700087.
Autosomal recessive nonsyndromic hearing loss 2. Also called: DEAFNESS, AUTOSOMAL RECESSIVE 2; NEUROSENSORY NONSYNDROMIC RECESSIVE DEAFNESS 2. Identifiers: Orphanet 90636, MedGen C1838701, MONDO:0010807, OMIM 600060.
Usher syndrome type 1 (USH1). Also called: RETINITIS PIGMENTOSA AND CONGENITAL DEAFNESS. Identifiers: Orphanet 231169, Orphanet 886, MedGen C1568247, MONDO:0010168, OMIM 276900.
Autosomal dominant nonsyndromic hearing loss 11. Identifiers: Orphanet 90635, MedGen C1832475, MONDO:0011032, OMIM 601317.

Allele frequency attached by ClinVar (database versions not stated): gnomAD exomes below 0.00001 and 0.00001; TOPMed below 0.00001; ExAC 0.00001.
gnomAD v4.1: 11 of 1,612,874 alleles (0.00068%); highest among the groups gnomAD compares: South Asian, 0.0044%; no homozygotes.

Submissions (7):

Labcorp Genetics (formerly Invitae), Labcorp
Classification: Pathogenic. Last evaluated: 2026-01-26. Review status: criteria provided, single submitter. Criteria: Invitae Variant Classification Sherloc (09022015). Collection method: clinical testing. Allele origin: germline.
Comment: This sequence change creates a premature translational stop signal (p.Arg972*) in the MYO7A gene. It is expected to result in an absent or disrupted protein product. Loss-of-function variants in MYO7A are known to be pathogenic (PMID: 8900236, 25404053). This variant is present in population databases (rs782281371, gnomAD 0.003%). This premature translational stop signal has been observed in individual(s) with Usher syndrome (PMID: 18181211). ClinVar contains an entry for this variant (Variation ID: 855092). For these reasons, this variant has been classified as Pathogenic.

Genetics Research Center, University of Social Welfare and Rehabilitation Sciences
Classification: Pathogenic for Autosomal recessive nonsyndromic hearing loss 2. Last evaluated: 2025-12-09. Review status: criteria provided, single submitter. Criteria: ACMG Guidelines, 2015. Collection method: research. Allele origin: germline. Affected: yes.
Comment: The variant is present at a very low frequency in the gnomAD v2.1.1 dataset (allele frequency: 0.0004%) and has been previously reported in individual(s) affected with MYO7A-related hearing loss (PMID:18181211, 8900236, 25404053, 22135276). It is a stop-gain variant predicted to disrupt normal protein function, either through nonsense-mediated mRNA decay (NMD) or by producing a truncated protein.

Dasa
Classification: Pathogenic. Last evaluated: 2025-05-28. Review status: criteria provided, single submitter. Criteria: DASA Assertion Criteria. Collection method: clinical testing. Allele origin: germline.
Comment: NM_000260.4(MYO7A):c.2914C>T (p.Arg972*) introduces a premature termination codon predicted to result in loss of normal protein function. Loss-of-function is an established mechanism of disease for this gene. This variant has been observed in affected individuals with related phenotype in a genotype context consistent with recessive disease (PMID: 22135276). This variant has been reported in individuals with related phenotype (PMID: 22135276). The variant is present at low frequency in population datasets. Based on the available data, this variant is classified as pathogenic.

Fulgent Genetics
Classification: Pathogenic for Usher syndrome type 1; Autosomal recessive nonsyndromic hearing loss 2; Autosomal dominant nonsyndromic hearing loss 11. Last evaluated: 2024-05-21. Review status: criteria provided, single submitter. Criteria: ACMG Guidelines, 2015. Collection method: clinical testing. Allele origin: germline.

GeneDx
Classification: Pathogenic. Last evaluated: 2023-10-16. Review status: criteria provided, single submitter. Criteria: GeneDx Variant Classification Process June 2021. Collection method: clinical testing. Allele origin: germline. Affected: yes.
Comment: Nonsense variant predicted to result in protein truncation or nonsense mediated decay in a gene for which loss of function is a known mechanism of disease; Not observed at significant frequency in large population cohorts (gnomAD); This variant is associated with the following publications: (PMID: 25525159, 31266775, 34948090, 34148116, 18181211)

3billion
Classification: Pathogenic for Usher syndrome type 1. Last evaluated: 2022-01-03. Review status: criteria provided, single submitter. Criteria: ACMG Guidelines, 2015. Collection method: clinical testing. Allele origin: germline. Affected: yes. Observed: 1 homozygote.
Comment: Stop-gained (nonsense): predicted to result in a loss or disruption of normal protein function through nonsense-mediated decay (NMD) or protein truncation. Multiple pathogenic variants are reported downstream of the variant (PVS1_VS).The variant has been reported to be associated with MYO7A related disorder (ClinVar ID: VCV000855092, PMID:18181211, 3billion dataset). It is observed at an extremely low frequency in the gnomAD v2.1.1 dataset (total allele frequency: 0.000004, PM2_M). Therefore, this variant is classified as pathogenic according to the recommendation of ACMG/AMP guideline.

Natera, Inc.
Classification: Pathogenic for Usher syndrome type 1B. Last evaluated: 2020-10-02. Review status: no assertion criteria provided. Collection method: clinical testing. Allele origin: germline. Not counted in ClinVar's aggregate classification.

Literature cited by the submitters: PubMed 8900236 (cited by Labcorp Genetics (formerly Invitae), Labcorp and Genetics Research Center, University of Social Welfare and Rehabilitation Sciences); PubMed 25404053 (cited by Labcorp Genetics (formerly Invitae), Labcorp and Genetics Research Center, University of Social Welfare and Rehabilitation Sciences); PubMed 18181211 (cited by 3 submitters); PubMed 22135276 (cited by Genetics Research Center, University of Social Welfare and Rehabilitation Sciences and Dasa).